The following is an entry in ClinVar:

ClinVar aggregate classification (germline): Uncertain significance. Review status: criteria provided, multiple submitters, no conflicts (2 of 4 stars). 2 submissions from 2 submitters: Uncertain significance (2). Last evaluated 2024-10-08.

Conditions:
Isolated microphthalmia 5. Also called: Posterior Microphthalmia with Retinitis Pigmentosa, Foveoschisis, and Optic Disc Drusen. Identifiers: Orphanet 251279, MedGen C1970236, MONDO:0012605, OMIM 611040.
Inborn genetic diseases. Identifiers: MedGen C0950123, MeSH D030342.

Allele frequency attached by ClinVar (database versions not stated): gnomAD 0.00003 and 0.00002; ExAC 0.00001; TOPMed 0.00002; gnomAD exomes below 0.00001 and 0.00002.
gnomAD v4.1: 20 of 1,613,882 alleles (0.0012%); highest among the groups gnomAD compares: East Asian, 0.0067%; 1 homozygote.

Submissions (2):

Labcorp Genetics (formerly Invitae), Labcorp
Classification: Uncertain significance for Isolated microphthalmia 5. Last evaluated: 2024-10-08. Review status: criteria provided, single submitter. Criteria: Invitae Variant Classification Sherloc (09022015). Collection method: clinical testing. Allele origin: germline.
Comment: This sequence change replaces proline, which is neutral and non-polar, with serine, which is neutral and polar, at codon 206 of the MFRP protein (p.Pro206Ser). This variant is present in population databases (rs776478874, gnomAD 0.02%). This variant has not been reported in the literature in individuals affected with MFRP-related conditions. ClinVar contains an entry for this variant (Variation ID: 1417580). Invitae Evidence Modeling of protein sequence and biophysical properties (such as structural, functional, and spatial information, amino acid conservation, physicochemical variation, residue mobility, and thermodynamic stability) indicates that this missense variant is not expected to disrupt MFRP protein function with a negative predictive value of 80%. In summary, the available evidence is currently insufficient to determine the role of this variant in disease. Therefore, it has been classified as a Variant of Uncertain Significance.

Ambry Genetics
Classification: Uncertain significance for Inborn genetic diseases. Last evaluated: 2024-07-16. Review status: criteria provided, single submitter. Criteria: Ambry Variant Classification Scheme 2023. Collection method: clinical testing. Allele origin: germline.

NM_031433.4(MFRP):c.616C>T (p.Pro206Ser)

Genes: C1QTNF5 (C1q and TNF related 5; minus strand), MFRP (membrane frizzled-related protein; minus strand). Cytogenetic location: 11q23.3.
Variant type: single nucleotide variant.
Coding change: c.616C>T on transcript NM_031433.4 (MANE Select); coding-DNA position 616, C replaced by T.
Protein change: p.Pro206Ser; replaces proline 206 with serine.
Molecular consequence: missense variant. On other transcripts: 5 prime UTR variant (1).
Genome position (GRCh38, 1-based): chr11:119,345,445, G>A on the plus strand (C>T on the coding strand, the complement: MFRP is on the minus strand). VCF-style: chr11-119345445-G-A. GRCh37 (hg19) VCF-style: chr11-119216155-G-A.
Other names: c.-2021C>T (NM_015645.5); short protein forms P206S.
Identifiers: ClinVar variation 1417580 (VCV001417580.8), dbSNP rs776478874, ClinGen allele CA6320492.